The following is an entry in ClinVar:

NM_002519.3(NPAT):c.1243A>G (p.Asn415Asp)

Gene: NPAT (nuclear protein, coactivator of histone transcription; minus strand). Cytogenetic location: 11q22.3.
Variant type: single nucleotide variant.
Coding change: c.1243A>G on transcript NM_002519.3 (MANE Select); coding-DNA position 1243, A replaced by G.
Protein change: p.Asn415Asp; replaces asparagine 415 with aspartic acid.
Molecular consequence: missense variant.
Genome position (GRCh38, 1-based): chr11:108,173,741, T>C on the plus strand (A>G on the coding strand, the complement: NPAT is on the minus strand). VCF-style: chr11-108173741-T-C. GRCh37 (hg19) VCF-style: chr11-108044468-T-C.
Other names: c.1243A>G, p.Asn415Asp (NM_001321307.1); short protein forms N415D.
Identifiers: ClinVar variation 1758814 (VCV001758814.5), dbSNP rs765724087, ClinGen allele CA6264037.

ClinVar aggregate classification (germline): Uncertain significance. Review status: criteria provided, multiple submitters, no conflicts (2 of 4 stars). 2 submissions from 2 submitters: Uncertain significance (2). Last evaluated 2024-01-30.

Allele frequency attached by ClinVar (database versions not stated): TOPMed 0.00001; ExAC 0.00002.
gnomAD v4.1: 46 of 1,614,108 alleles (0.0028%); highest among the groups gnomAD compares: Non-Finnish European, 0.0039%; no homozygotes.

Submissions (2):

Ambry Genetics
Classification: Uncertain significance. Last evaluated: 2024-01-30. Review status: criteria provided, single submitter. Criteria: Ambry Variant Classification Scheme 2023. Collection method: clinical testing. Allele origin: germline.
Comment: The p.N415D variant (also known as c.1243A>G), located in coding exon 13 of the NPAT gene, results from an A to G substitution at nucleotide position 1243. The asparagine at codon 415 is replaced by aspartic acid, an amino acid with highly similar properties. This amino acid position is conserved. In addition, this alteration is predicted to be tolerated by in silico analysis. Since supporting evidence is limited at this time, the clinical significance of this alteration remains unclear.

Labcorp Genetics (formerly Invitae), Labcorp
Classification: Uncertain significance. Last evaluated: 2022-11-16. Review status: criteria provided, single submitter. Criteria: Invitae Variant Classification Sherloc (09022015). Collection method: clinical testing. Allele origin: germline.
Comment: This variant is present in population databases (rs765724087, gnomAD 0.0009%). This sequence change replaces asparagine, which is neutral and polar, with aspartic acid, which is acidic and polar, at codon 415 of the NPAT protein (p.Asn415Asp). In summary, the available evidence is currently insufficient to determine the role of this variant in disease. Therefore, it has been classified as a Variant of Uncertain Significance. Algorithms developed to predict the effect of missense changes on protein structure and function output the following: SIFT: "Tolerated"; PolyPhen-2: "Benign"; Align-GVGD: "Class C0". The aspartic acid amino acid residue is found in multiple mammalian species, which suggests that this missense change does not adversely affect protein function. This variant has not been reported in the literature in individuals affected with NPAT-related conditions.